The following is an entry in ClinVar:

NM_001377.3(DYNC2H1):c.2000A>G (p.Asn667Ser)

Gene: DYNC2H1 (dynein cytoplasmic 2 heavy chain 1; plus strand). Cytogenetic location: 11q22.3.
Variant type: single nucleotide variant.
Coding change: c.2000A>G on transcript NM_001377.3 (MANE Select); coding-DNA position 2000, A replaced by G.
Protein change: p.Asn667Ser; replaces asparagine 667 with serine.
Molecular consequence: missense variant.
Genome position (GRCh38, 1-based): chr11:103,133,601, A>G. VCF-style: chr11-103133601-A-G. GRCh37 (hg19) VCF-style: chr11-103004330-A-G.
Other names: c.2000A>G, p.Asn667Ser (NM_001080463.2); short protein forms N667S.
Identifiers: ClinVar variation 811099 (VCV000811099.8), dbSNP rs1591291196, ClinGen allele CA382257416.

ClinVar aggregate classification (germline): Uncertain significance (1 of 4 stars; one submission).

Allele frequency attached by ClinVar (database versions not stated): gnomAD 0.00001.
gnomAD v4.1: 1 of 1,611,692 alleles (0.000062%); highest among the groups gnomAD compares: African/African-American, 0.0013%; no homozygotes.

Submission:

ARUP Laboratories, Molecular Genetics and Genomics, ARUP Laboratories
Classification: Uncertain significance. Last evaluated: 2018-08-14. Review status: criteria provided, single submitter. Criteria: ARUP Molecular Germline Variant Investigation Process. Collection method: clinical testing. Allele origin: germline.
Comment: The DYNC2H1 c.2000A>G; p.Asn667Ser variant, to our knowledge, is not reported in the medical literature or gene specific databases. This variant is also absent from general population databases (1000 Genomes Project, Exome Variant Server, and Genome Aggregation Database), indicating it is not a common polymorphism. The asparagine at codon 667 is highly conserved, and computational analyses (SIFT, PolyPhen-2) predict that this variant is deleterious. However, due to limited information, the clinical significance of the p.Asn667Ser variant is uncertain at this time.